The following is an entry in ClinVar:

NM_001134407.3(GRIN2A):c.3432C>A (p.Asn1144Lys)

Gene: GRIN2A (glutamate ionotropic receptor NMDA type subunit 2A; minus strand). Cytogenetic location: 16p13.2.
Variant type: single nucleotide variant.
Coding change: c.3432C>A on transcript NM_001134407.3 (MANE Select); coding-DNA position 3432, C replaced by A.
Protein change: p.Asn1144Lys; replaces asparagine 1144 with lysine.
Molecular consequence: missense variant.
Genome position (GRCh38, 1-based): chr16:9,764,112, G>T on the plus strand (C>A on the coding strand, the complement: GRIN2A is on the minus strand). VCF-style: chr16-9764112-G-T. GRCh37 (hg19) VCF-style: chr16-9857969-G-T.
Other names: c.3432C>A, p.Asn1144Lys (NM_000833.5, NM_001134408.2); short protein forms N1144K.
Identifiers: ClinVar variation 1983824 (VCV001983824.6), dbSNP rs746900457, ClinGen allele CA394707879.
Genomic context (GRCh38, chr16:9,764,112, plus strand): 5'-CGTGGAGTCCCCCTTGCGGAAGTTTTCACTGGGATCCTGGTAGGGGTCCGGGAAGTCCAC[G>T]TTCTCGGGCAGGGTCACATTTTCAACAAACTGGGGTGGATCTAAGTGGAAACCAGGCTCC-3'
Protein context (NP_001127879.1, residues 1134-1154): QFVENVTLPE[Asn1144Lys]VDFPDPYQDP

ClinVar aggregate classification (germline): Conflicting classifications of pathogenicity. Review status: criteria provided, conflicting classifications (1 of 4 stars). 3 submissions from 3 submitters: Uncertain significance (2); Likely benign (1). Last evaluated 2023-05-10.

Conditions:
Landau-Kleffner syndrome (FESD). Also called: EPILEPSY, FOCAL, WITH SPEECH DISORDER AND WITH OR WITHOUT MENTAL RETARDATION; APHASIA, ACQUIRED, WITH EPILEPSY. Identifiers: Orphanet 1945, Orphanet 725, Orphanet 98818, MedGen C0282512, MONDO:0009509, OMIM 245570.
Inborn genetic diseases. Identifiers: MedGen C0950123, MeSH D030342.

gnomAD v4.1: 2 of 1,613,760 alleles (0.00012%); highest among the groups gnomAD compares: Admixed American, 0.0017%; no homozygotes.

Submissions (3):

GeneDx
Classification: Uncertain significance. Last evaluated: 2023-05-10. Review status: criteria provided, single submitter. Criteria: GeneDx Variant Classification Process June 2021. Collection method: clinical testing. Allele origin: germline. Affected: yes.
Comment: Not observed at significant frequency in large population cohorts (gnomAD); In silico analysis supports that this missense variant does not alter protein structure/function; Has not been previously published as pathogenic or benign to our knowledge

Labcorp Genetics (formerly Invitae), Labcorp
Classification: Likely benign for Landau-Kleffner syndrome. Last evaluated: 2022-06-08. Review status: criteria provided, single submitter. Criteria: Invitae Variant Classification Sherloc (09022015). Collection method: clinical testing. Allele origin: germline.

Ambry Genetics
Classification: Uncertain significance for Inborn genetic diseases. Last evaluated: 2021-01-27. Review status: criteria provided, single submitter. Criteria: Ambry Variant Classification Scheme 2023. Collection method: clinical testing. Allele origin: germline.